The following is an entry in ClinVar:

ClinVar aggregate classification (germline): Pathogenic (1 of 4 stars; one submission).

Conditions:
Neuromuscular disease caused by qualitative or quantitative defects of dysferlin. Also called: Dysferlinopathy; Qualitative or quantitative defects of dysferlin. Identifiers: Orphanet 207073, MedGen C2931687, MONDO:0016145.

Submission:

Labcorp Genetics (formerly Invitae), Labcorp
Classification: Pathogenic for Neuromuscular disease caused by qualitative or quantitative defects of dysferlin. Last evaluated: 2024-04-23. Review status: criteria provided, single submitter. Criteria: Invitae Variant Classification Sherloc (09022015). Collection method: clinical testing. Allele origin: germline.
Comment: This sequence change inserts a large fragment of DNA, likely a transposable element, in exon 24 of the DYSF gene (c.2492_2493ins?), causing a frameshift at codon 831 (p.Leu831fs). The exact size and sequence of the insertion cannot be determined by the current assay. However, the insertion is expected to result in an absent or disrupted protein product. This variant is not present in population databases (gnomAD no frequency). This variant has not been reported in the literature in individuals affected with DYSF-related conditions. Retrotransposon insertions including LINE1 (L1), Alu, and SVA (SINE-VNTR-Alu) have been reported to be disease-causing through disruption of either a coding region or splice site (PMID: 19763152, 20307669, 22406018) and loss-of-function variants in DYSF are known to be pathogenic (PMID: 17698709, 20301480). For these reasons, this variant has been classified as Pathogenic.

Literature cited by the submitters: PubMed 19763152; PubMed 20307669; PubMed 22406018; PubMed 17698709; PubMed 20301480.

NM_001130987.2(DYSF):c.2546_2547insCAGTCTGGAAAGTGAGGAGCGTCTCCGCCCGGCCGCCATCCCATCTAGGAAGTGAGGAGCACCTCTTCCCGGCCNNNNNNNNNNAAAAAAAAAAAAAAAAAAAAAAGAATTGTGGGAAGCT (p.Leu849_Gln850insSerLeuGluSerGluGluArgLeuArgProAlaAlaIleProSerArgLysTer)

Gene: DYSF (dysferlin; plus strand). Cytogenetic location: 2p13.2.
Variant type: Insertion.
Coding change: c.2546_2547insCAGTCTGGAAAGTGAGGAGCGTCTCCGCCCGGCCGCCATCCCATCTAGGAAGTGAGGAGCACCTCTTCCCGGCCNNNNNNNNNNAAAAAAAAAAAAAAAAAAAAAAGAATTGTGGGAAGCT on transcript NM_001130987.2 (MANE Select); coding-DNA positions 2546 to 2547, CAGTCTGGAAAGTGAGGAGCGTCTCCGCCCGGCCGCCATCCCATCTAGGAAGTGAGGAGCACCTCTTCCCGGCCNNNNNNNNNNAAAAAAAAAAAAAAAAAAAAAAGAATTGTGGGAAGCT inserted.
Protein change: p.Leu849_Gln850insSerLeuGluSerGluGluArgLeuArgProAlaAlaIleProSerArgLysTer.
Molecular consequence: nonsense.
Genome position: GRCh38: chr2:71,564,194-71,564,195. GRCh37 (hg19): chr2:71,791,324-71,791,325.
Other names: c.2492_2493insCAGTCTGGAAAGTGAGGAGCGTCTCCGCCCGGCCGCCATCCCATCTAGGAAGTGAGGAGCACCTCTTCCCGGCCNNNNNNNNNNAAAAAAAAAAAAAAAAAAAAAAGAATTGTGGGAAGCT, p.Leu831_Gln832insSerLeuGluSerGluGluArgLeuArgProAlaAlaIleProSerArgLysTer (NM_003494.4, NM_001130978.2); c.2495_2496insCAGTCTGGAAAGTGAGGAGCGTCTCCGCCCGGCCGCCATCCCATCTAGGAAGTGAGGAGCACCTCTTCCCGGCCNNNNNNNNNNAAAAAAAAAAAAAAAAAAAAAAGAATTGTGGGAAGCT, p.Leu832_Gln833insSerLeuGluSerGluGluArgLeuArgProAlaAlaIleProSerArgLysTer (NM_001130455.2, NM_001130983.2); c.2450_2451insCAGTCTGGAAAGTGAGGAGCGTCTCCGCCCGGCCGCCATCCCATCTAGGAAGTGAGGAGCACCTCTTCCCGGCCNNNNNNNNNNAAAAAAAAAAAAAAAAAAAAAAGAATTGTGGGAAGCT, p.Leu817_Gln818insSerLeuGluSerGluGluArgLeuArgProAlaAlaIleProSerArgLysTer (NM_001130976.2, NM_001130977.2); c.2585_2586insCAGTCTGGAAAGTGAGGAGCGTCTCCGCCCGGCCGCCATCCCATCTAGGAAGTGAGGAGCACCTCTTCCCGGCCNNNNNNNNNNAAAAAAAAAAAAAAAAAAAAAAGAATTGTGGGAAGCT, p.Leu862_Gln863insSerLeuGluSerGluGluArgLeuArgProAlaAlaIleProSerArgLysTer (NM_001130979.2); c.2543_2544insCAGTCTGGAAAGTGAGGAGCGTCTCCGCCCGGCCGCCATCCCATCTAGGAAGTGAGGAGCACCTCTTCCCGGCCNNNNNNNNNNAAAAAAAAAAAAAAAAAAAAAAGAATTGTGGGAAGCT, p.Leu848_Gln849insSerLeuGluSerGluGluArgLeuArgProAlaAlaIleProSerArgLysTer (NM_001130980.2, NM_001130981.2); c.2588_2589insCAGTCTGGAAAGTGAGGAGCGTCTCCGCCCGGCCGCCATCCCATCTAGGAAGTGAGGAGCACCTCTTCCCGGCCNNNNNNNNNNAAAAAAAAAAAAAAAAAAAAAAGAATTGTGGGAAGCT, p.Leu863_Gln864insSerLeuGluSerGluGluArgLeuArgProAlaAlaIleProSerArgLysTer (NM_001130982.2); c.2453_2454insCAGTCTGGAAAGTGAGGAGCGTCTCCGCCCGGCCGCCATCCCATCTAGGAAGTGAGGAGCACCTCTTCCCGGCCNNNNNNNNNNAAAAAAAAAAAAAAAAAAAAAAGAATTGTGGGAAGCT, p.Leu818_Gln819insSerLeuGluSerGluGluArgLeuArgProAlaAlaIleProSerArgLysTer (NM_001130984.2, NM_001130986.2); c.2546_2547insCAGTCTGGAAAGTGAGGAGCGTCTCCGCCCGGCCGCCATCCCATCTAGGAAGTGAGGAGCACCTCTTCCCGGCCNNNNNNNNNNAAAAAAAAAAAAAAAAAAAAAAGAATTGTGGGAAGCT, p.Leu849_Gln850insSerLeuGluSerGluGluArgLeuArgProAlaAlaIleProSerArgLysTer (NM_001130985.2).
Identifiers: ClinVar variation 3633105 (VCV003633105.2).